The following is an entry in ClinVar:

ClinVar aggregate classification (germline): Uncertain significance. Review status: criteria provided, multiple submitters, no conflicts (2 of 4 stars). 2 submissions from 2 submitters: Uncertain significance (2). Last evaluated 2021-04-06.

Conditions:
Aortic aneurysm, familial thoracic 8 (AAT8). Identifiers: MedGen C3809513, MONDO:0014187, OMIM 615436.

Submissions (2):

Labcorp Genetics (formerly Invitae), Labcorp
Classification: Uncertain significance for Aortic aneurysm, familial thoracic 8. Last evaluated: 2021-04-06. Review status: criteria provided, single submitter. Criteria: Invitae Variant Classification Sherloc (09022015). Collection method: clinical testing. Allele origin: germline.
Comment: Experimental studies and prediction algorithms are not available or were not evaluated, and the functional significance of this variant is currently unknown. In summary, the available evidence is currently insufficient to determine the role of this variant in disease. Therefore, it has been classified as a Variant of Uncertain Significance. This variant has been observed in individual(s) with aortic dilation (Invitae). The frequency data for this variant in the population databases is considered unreliable, as metrics indicate poor data quality at this position in the ExAC database. This variant, c.2011_2013del, results in the deletion of 1 amino acid(s) of the PRKG1 protein (p.Asn671del), but otherwise preserves the integrity of the reading frame.

Mayo Clinic Laboratories, Mayo Clinic
Classification: Uncertain significance. Last evaluated: 2019-06-23. Review status: criteria provided, single submitter. Criteria: ACMG Guidelines, 2015. Collection method: clinical testing. Allele origin: germline. Observed: 1 variant allele.

NM_006258.4(PRKG1):c.2011_2013del (p.Asn671del)

Gene: PRKG1 (protein kinase cGMP-dependent 1; plus strand). Cytogenetic location: 10q21.1.
Variant type: Deletion.
Coding change: c.2011_2013del on transcript NM_006258.4 (MANE Select); coding-DNA positions 2011 to 2013, 3 bases deleted (AAC; older notation c.2011_2013delAAC).
Protein change: p.Asn671del; deletes asparagine 671.
Molecular consequence: inframe deletion.
Genome position (GRCh38, 1-based): chr10:52,293,850-52,293,852, AAC deleted; deleting any 3 consecutive bases within chr10:52,293,848-52,293,852 gives the same sequence; the c. name uses the placement nearest the transcript's 3' end. VCF-style (leftmost placement, unchanged base first): chr10-52293847-GACA-G. GRCh37 (hg19) VCF-style: chr10-54053607-GACA-G.
Other names: c.1966_1968del, p.Asn656del (NM_001098512.3); c.802_804del, p.Asn268del (NM_001374781.1); short protein forms N268del, N656del, N671del.
Identifiers: ClinVar variation 1163518 (VCV001163518.10), dbSNP rs773730432, ClinGen allele CA5504009.